The following is an entry in ClinVar:

NM_002524.5(NRAS):c.450+6G>A

Gene: NRAS (NRAS proto-oncogene, GTPase; minus strand). Cytogenetic location: 1p13.2.
Variant type: single nucleotide variant.
Coding change: c.450+6G>A on transcript NM_002524.5 (MANE Select); 6 bases into the intron after coding-DNA position 450, G replaced by A.
Molecular consequence: intron variant.
Genome position (GRCh38, 1-based): chr1:114,709,563, C>T on the plus strand (G>A on the coding strand, the complement: NRAS is on the minus strand). VCF-style: chr1-114709563-C-T. GRCh37 (hg19) VCF-style: chr1-115252184-C-T.
Identifiers: ClinVar variation 1907174 (VCV001907174.6), dbSNP rs1658995392, ClinGen allele CA419885193.

ClinVar aggregate classification (germline): Uncertain significance. Review status: criteria provided, multiple submitters, no conflicts (2 of 4 stars). 2 submissions from 2 submitters: Uncertain significance (2). Last evaluated 2026-02-13.

Conditions:
RASopathy. Also called: rasopathies; Noonan spectrum disorder. Identifiers: Orphanet 536391, MedGen C5555857, MONDO:0021060.

gnomAD v4.1: 4 of 1,613,122 alleles (0.00025%); highest among the groups gnomAD compares: Non-Finnish European, 0.00034%; no homozygotes.

Submissions (2):

Women's Health and Genetics/Laboratory Corporation of America, LabCorp
Classification: Uncertain significance. Last evaluated: 2026-02-13. Review status: criteria provided, single submitter. Criteria: LabCorp Variant Classification Summary - May 2015. Collection method: clinical testing. Allele origin: germline.
Comment: Variant summary: NRAS c.450+6G>A alters a nucleotide located close to a canonical splice site and therefore could affect mRNA splicing, leading to a significantly altered protein sequence. Consensus agreement among computation tools predict no significant impact on normal splicing. However, these predictions have yet to be confirmed by functional studies. The variant was absent in 251460 control chromosomes. The available data on variant occurrences in the general population are insufficient to allow any conclusion about variant significance. To our knowledge, no occurrence of c.450+6G>A in individuals affected with NRAS-related conditions and no experimental evidence demonstrating its impact on protein function have been reported. ClinVar contains an entry for this variant (Variation ID: 1907174). Based on the evidence outlined above, the variant was classified as uncertain significance.

Labcorp Genetics (formerly Invitae), Labcorp
Classification: Uncertain significance for RASopathy. Last evaluated: 2023-12-04. Review status: criteria provided, single submitter. Criteria: Invitae Variant Classification Sherloc (09022015). Collection method: clinical testing. Allele origin: germline.
Comment: This sequence change falls in intron 4 of the NRAS gene. It does not directly change the encoded amino acid sequence of the NRAS protein. It affects a nucleotide within the consensus splice site. This variant is not present in population databases (gnomAD no frequency). This variant has not been reported in the literature in individuals affected with NRAS-related conditions. ClinVar contains an entry for this variant (Variation ID: 1907174). Variants that disrupt the consensus splice site are a relatively common cause of aberrant splicing (PMID: 17576681, 9536098). Algorithms developed to predict the effect of sequence changes on RNA splicing suggest that this variant is not likely to affect RNA splicing. In summary, the available evidence is currently insufficient to determine the role of this variant in disease. Therefore, it has been classified as a Variant of Uncertain Significance.

Literature cited by the submitters: PubMed 26980726 (cited by Women's Health and Genetics/Laboratory Corporation of America, LabCorp); PubMed 27121720 (cited by Women's Health and Genetics/Laboratory Corporation of America, LabCorp); PubMed 24806883 (cited by Women's Health and Genetics/Laboratory Corporation of America, LabCorp); PubMed 17671181 (cited by Women's Health and Genetics/Laboratory Corporation of America, LabCorp); PubMed 23325582 (cited by Women's Health and Genetics/Laboratory Corporation of America, LabCorp); PubMed 22220252 (cited by Women's Health and Genetics/Laboratory Corporation of America, LabCorp); PubMed 23708912 (cited by Women's Health and Genetics/Laboratory Corporation of America, LabCorp); PubMed 29692343 (cited by Women's Health and Genetics/Laboratory Corporation of America, LabCorp); PubMed 27276561 (cited by Women's Health and Genetics/Laboratory Corporation of America, LabCorp); PubMed 27069254 (cited by Women's Health and Genetics/Laboratory Corporation of America, LabCorp); PubMed 17576681 (cited by Labcorp Genetics (formerly Invitae), Labcorp); PubMed 9536098 (cited by Labcorp Genetics (formerly Invitae), Labcorp).